The following is an entry in ClinVar:

NM_000285.4(PEPD):c.330-1G>A

Gene: PEPD (peptidase D; minus strand). Cytogenetic location: 19q13.11.
Variant type: single nucleotide variant.
Coding change: c.330-1G>A on transcript NM_000285.4 (MANE Select); the canonical splice acceptor site of the intron before coding-DNA position 330, G replaced by A.
Molecular consequence: splice acceptor variant. On other transcripts: intron variant (1).
Genome position (GRCh38, 1-based): chr19:33,501,002, C>T on the plus strand (G>A on the coding strand, the complement: PEPD is on the minus strand). VCF-style: chr19-33501002-C-T. GRCh37 (hg19) VCF-style: chr19-33991908-C-T.
Other names: c.202-7665G>A (NM_001166057.2); c.330-1G>A (NM_001166056.2).
Identifiers: ClinVar variation 2818447 (VCV002818447.4), dbSNP rs2513508907, ClinGen allele CA405231245.

ClinVar aggregate classification (germline): Likely pathogenic (1 of 4 stars; one submission).

Submissions (3):

Labcorp Genetics (formerly Invitae), Labcorp
Classification: Likely pathogenic. Last evaluated: 2023-07-25. Review status: criteria provided, single submitter. Criteria: Invitae Variant Classification Sherloc (09022015). Collection method: clinical testing. Allele origin: germline.
Comment: In summary, the currently available evidence indicates that the variant is pathogenic, but additional data are needed to prove that conclusively. Therefore, this variant has been classified as Likely Pathogenic. Algorithms developed to predict the effect of sequence changes on RNA splicing suggest that this variant may disrupt the consensus splice site. This variant has not been reported in the literature in individuals affected with PEPD-related conditions. This variant is not present in population databases (gnomAD no frequency). This sequence change affects an acceptor splice site in intron 3 of the PEPD gene. It is expected to disrupt RNA splicing. Variants that disrupt the donor or acceptor splice site typically lead to a loss of protein function (PMID: 16199547), and loss-of-function variants in PEPD are known to be pathogenic (PMID: 8198124, 10721675, 12384772, 17142620).

Dr. Peter K. Rogan Lab, Western University
No classification provided (evidence only). Condition: Thyroid cancer, nonmedullary, 1. Review status: no classification provided. Collection method: in vitro. Allele origin: not applicable. Functional consequence: retained intron. Not counted in ClinVar's aggregate classification.

Dr. Peter K. Rogan Lab, Western University
No classification provided (evidence only). Condition: Thyroid cancer, nonmedullary, 1. Review status: no classification provided. Collection method: in vitro. Allele origin: not applicable. Functional consequence: retained intron. Not counted in ClinVar's aggregate classification.

Literature cited by the submitters: PubMed 16199547 (cited by Labcorp Genetics (formerly Invitae), Labcorp); PubMed 8198124 (cited by Labcorp Genetics (formerly Invitae), Labcorp); PubMed 10721675 (cited by Labcorp Genetics (formerly Invitae), Labcorp); PubMed 12384772 (cited by Labcorp Genetics (formerly Invitae), Labcorp); PubMed 17142620 (cited by Labcorp Genetics (formerly Invitae), Labcorp).